The following is an entry in ClinVar:

NM_003801.4(GPAA1):c.242G>T (p.Arg81Leu)

Gene: GPAA1 (glycosylphosphatidylinositol anchor attachment 1; plus strand). Cytogenetic location: 8q24.3.
Variant type: single nucleotide variant.
Coding change: c.242G>T on transcript NM_003801.4 (MANE Select); coding-DNA position 242, G replaced by T.
Protein change: p.Arg81Leu; replaces arginine 81 with leucine.
Molecular consequence: missense variant.
Genome position (GRCh38, 1-based): chr8:144,083,291, G>T. VCF-style: chr8-144083291-G-T. GRCh37 (hg19) VCF-style: chr8-145138194-G-T.
Other names: c.242G>T (NM_003801.3); short protein forms R81L.
Identifiers: ClinVar variation 1502977 (VCV001502977.7), dbSNP rs1238877797, ClinGen allele CA372597716.

ClinVar aggregate classification (germline): Uncertain significance. Review status: criteria provided, multiple submitters, no conflicts (2 of 4 stars). 2 submissions from 2 submitters: Uncertain significance (2). Last evaluated 2024-08-14.

Conditions:
Inborn genetic diseases. Identifiers: MedGen C0950123, MeSH D030342.

Allele frequency attached by ClinVar (database versions not stated): gnomAD 0.00001; TOPMed 0.00003.
gnomAD v4.1: 42 of 1,603,080 alleles (0.0026%); highest among the groups gnomAD compares: Non-Finnish European, 0.0035%; no homozygotes.

Submissions (2):

Ambry Genetics
Classification: Uncertain significance for Inborn genetic diseases. Last evaluated: 2024-08-14. Review status: criteria provided, single submitter. Criteria: Ambry Variant Classification Scheme 2023. Collection method: clinical testing. Allele origin: germline.

Labcorp Genetics (formerly Invitae), Labcorp
Classification: Uncertain significance. Last evaluated: 2022-11-15. Review status: criteria provided, single submitter. Criteria: Invitae Variant Classification Sherloc (09022015). Collection method: clinical testing. Allele origin: germline.
Comment: Advanced modeling of protein sequence and biophysical properties (such as structural, functional, and spatial information, amino acid conservation, physicochemical variation, residue mobility, and thermodynamic stability) performed at Invitae indicates that this missense variant is not expected to disrupt GPAA1 protein function. In summary, the available evidence is currently insufficient to determine the role of this variant in disease. Therefore, it has been classified as a Variant of Uncertain Significance. ClinVar contains an entry for this variant (Variation ID: 1502977). This variant has not been reported in the literature in individuals affected with GPAA1-related conditions. This variant is not present in population databases (gnomAD no frequency). This sequence change replaces arginine, which is basic and polar, with leucine, which is neutral and non-polar, at codon 81 of the GPAA1 protein (p.Arg81Leu).